The following is an entry in ClinVar:

NM_005529.7(HSPG2):c.8212G>A (p.Val2738Met)

Gene: HSPG2 (heparan sulfate proteoglycan 2; minus strand). Cytogenetic location: 1p36.12.
Variant type: single nucleotide variant.
Coding change: c.8212G>A on transcript NM_005529.7 (MANE Select); coding-DNA position 8212, G replaced by A.
Protein change: p.Val2738Met; replaces valine 2738 with methionine.
Molecular consequence: missense variant.
Genome position (GRCh38, 1-based): chr1:21,846,552, C>T on the plus strand (G>A on the coding strand, the complement: HSPG2 is on the minus strand). VCF-style: chr1-21846552-C-T. GRCh37 (hg19) VCF-style: chr1-22173045-C-T.
Other names: c.8215G>A, p.Val2739Met (NM_001291860.2); c.8212G>A (NM_005529.6); short protein forms V2738M, V2739M.
Identifiers: ClinVar variation 295779 (VCV000295779.16), dbSNP rs144862631, ClinGen allele CA670869.

ClinVar aggregate classification (germline): Uncertain significance. Review status: criteria provided, multiple submitters, no conflicts (2 of 4 stars). 8 submissions from 7 submitters: Uncertain significance (8). Last evaluated 2026-08-01.

Conditions:
Lethal Kniest-like syndrome (DDSH). Also called: Dyssegmental Dysplasia. Identifiers: Orphanet 1865, MedGen C1857100, MONDO:0009140, OMIM 224410.
Schwartz-Jampel syndrome. Also called: Myotonic myopathy dwarfism chondrodystrophy and ocular and facial abnormalities. Identifiers: Orphanet 800, MedGen C0036391, MONDO:0009717.
HSPG2-related disorder. Also called: HSPG2-related condition; HSPG2-related disorders.

Allele frequency attached by ClinVar (database versions not stated): ExAC 0.00003; gnomAD exomes 0.00005 and 0.00010; ESP Exome Variant Server 0.00008; TOPMed 0.00010; gnomAD 0.00011; 1000 Genomes Project 30x 0.00031; 1000 Genomes Project 0.00040.
gnomAD v4.1: 172 of 1,613,716 alleles (0.011%); highest among the groups gnomAD compares: African/African-American, 0.036%; no homozygotes.

Submissions (8):

CeGaT Center for Human Genetics Tuebingen
Classification: Uncertain significance. Last evaluated: 2026-08-01. Review status: criteria provided, single submitter. Criteria: CeGaT Center For Human Genetics Tuebingen Variant Classification Criteria Version 2. Collection method: clinical testing. Allele origin: germline. Affected: yes. Observed: 1 variant allele.
Comment: HSPG2: PM2, PM3:Supporting

PreventionGenetics, part of Exact Sciences
Classification: Uncertain significance for HSPG2-related condition. Last evaluated: 2025-05-05. Review status: criteria provided, single submitter. Criteria: ACMG Guidelines, 2015. Collection method: clinical testing. Allele origin: germline.
Comment: The HSPG2 c.8212G>A variant is predicted to result in the amino acid substitution p.Val2738Met. To our knowledge, this variant has not been reported in the literature. This variant is reported in 0.016% of alleles in individuals of African descent in gnomAD. At this time, the clinical significance of this variant is uncertain due to the absence of conclusive functional and genetic evidence.

Labcorp Genetics (formerly Invitae), Labcorp
Classification: Uncertain significance. Last evaluated: 2025-04-16. Review status: criteria provided, single submitter. Criteria: Invitae Variant Classification Sherloc (09022015). Collection method: clinical testing. Allele origin: germline.
Comment: This sequence change replaces valine, which is neutral and non-polar, with methionine, which is neutral and non-polar, at codon 2738 of the HSPG2 protein (p.Val2738Met). This variant is present in population databases (rs144862631, gnomAD 0.02%). This variant has not been reported in the literature in individuals affected with HSPG2-related conditions. ClinVar contains an entry for this variant (Variation ID: 295779). An algorithm developed to predict the effect of missense changes on protein structure and function (PolyPhen-2) suggests that this variant is likely to be disruptive. In summary, the available evidence is currently insufficient to determine the role of this variant in disease. Therefore, it has been classified as a Variant of Uncertain Significance.

Blueprint Genetics
Classification: Uncertain significance. Last evaluated: 2024-09-20. Review status: criteria provided, single submitter. Criteria: ACMG Guidelines, 2015. Collection method: clinical testing. Allele origin: germline.

Revvity Omics, Revvity
Classification: Uncertain significance. Last evaluated: 2020-02-28. Review status: criteria provided, single submitter. Criteria: ACMG Guidelines, 2015. Collection method: clinical testing. Allele origin: germline.

Illumina Laboratory Services, Illumina
Classification: Uncertain significance for Lethal Kniest-like syndrome. Last evaluated: 2018-01-13. Review status: criteria provided, single submitter. Criteria: ICSL Variant Classification Criteria 13 December 2019. Collection method: clinical testing. Allele origin: germline.

Illumina Laboratory Services, Illumina
Classification: Uncertain significance for Schwartz-Jampel syndrome type 1. Last evaluated: 2018-01-13. Review status: criteria provided, single submitter. Criteria: ICSL Variant Classification Criteria 13 December 2019. Collection method: clinical testing. Allele origin: germline.

Breakthrough Genomics
Classification: Uncertain significance. Review status: criteria provided, single submitter. Criteria: ACMG Guidelines, 2015. Collection method: not provided. Allele origin: germline. Inheritance: Autosomal recessive inheritance. Affected: yes.